The following is an entry in ClinVar:

ClinVar aggregate classification (germline): Conflicting classifications of pathogenicity. Review status: criteria provided, conflicting classifications (1 of 4 stars). 2 submissions from 2 submitters: Likely pathogenic (1); Uncertain significance (1). Last evaluated 2025-07-09.

Conditions:
Ataxia-telangiectasia syndrome (AT). Also called: Ataxia telangiectasia (A-T); ATAXIA-TELANGIECTASIA, COMPLEMENTATION GROUP A; ATAXIA-TELANGIECTASIA, FRESNO VARIANT; Ataxia-telangiectasia; Ataxia-telangiectasia, complementation group E; LOUIS-BAR SYNDROME. Identifiers: Orphanet 100, MedGen C0004135, MONDO:0008840, OMIM 208900.

gnomAD v4.1: 2 of 1,614,090 alleles (0.00012%); highest among the groups gnomAD compares: Non-Finnish European, 0.00017%; no homozygotes.

Submissions (2):

Labcorp Genetics (formerly Invitae), Labcorp
Classification: Uncertain significance for Ataxia-telangiectasia syndrome. Last evaluated: 2025-07-09. Review status: criteria provided, single submitter. Criteria: Invitae Variant Classification Sherloc (09022015). Collection method: clinical testing. Allele origin: germline.
Comment: This sequence change replaces proline, which is neutral and non-polar, with leucine, which is neutral and non-polar, at codon 2903 of the ATM protein (p.Pro2903Leu). This variant is not present in population databases (gnomAD no frequency). This variant has not been reported in the literature in individuals affected with ATM-related conditions. ClinVar contains an entry for this variant (Variation ID: 1048073). Invitae Evidence Modeling of protein sequence and biophysical properties (such as structural, functional, and spatial information, amino acid conservation, physicochemical variation, residue mobility, and thermodynamic stability) indicates that this missense variant is expected to disrupt ATM protein function with a positive predictive value of 95%. In summary, the available evidence is currently insufficient to determine the role of this variant in disease. Therefore, it has been classified as a Variant of Uncertain Significance.

Pediatric Genomics Discovery Program, Yale University
Classification: Likely pathogenic for Ataxia-telangiectasia syndrome. Last evaluated: 2021-03-10. Review status: criteria provided, single submitter. Criteria: ACMG Guidelines, 2015. Collection method: research. Allele origin: paternal. Inheritance: Autosomal recessive inheritance. Affected: yes. Observed: 1 variant allele, 1 compound heterozygote.
Comment: The c.8708C>T, p.Pro2903Leu variant in ATM is absent in a large population database with over 250,000 alleles reported (gnomAD). Multiple in silico analyses (e.g. SIFT, PolyPhen, FATHMM, MetaSVM) predicted that the missense change p.Pro2903Leu has a deleterious effect with CADD score=34 or REVEL pathogenicity score=0.887. It was identified in a large family affected with adolescent-onset ataxia in trans with a known pathogenic ATM variant, segregating perfectly for recessive inheritance. Telangiectasias and cancers are not known in this family. These criteria suggest sufficient evidence to report this variant as likely pathogenic.

NM_000051.4(ATM):c.8708C>T (p.Pro2903Leu)

Genes: ATM (ATM serine/threonine kinase; plus strand), C11orf65 (chromosome 11 open reading frame 65; minus strand). Cytogenetic location: 11q22.3.
Variant type: single nucleotide variant.
Coding change: c.8708C>T on transcript NM_000051.4 (MANE Select); coding-DNA position 8708, C replaced by T.
Protein change: p.Pro2903Leu; replaces proline 2903 with leucine.
Molecular consequence: missense variant. On other transcripts: intron variant (2).
Genome position (GRCh38, 1-based): chr11:108,353,802, C>T. VCF-style: chr11-108353802-C-T. GRCh37 (hg19) VCF-style: chr11-108224529-C-T.
Other names: c.8708C>T, p.Pro2903Leu (NM_001351834.2); c.640+32118G>A (NM_001330368.2); c.695-18510G>A (NM_001351110.2); short protein forms P2903L.
Identifiers: ClinVar variation 1048073 (VCV001048073.4), dbSNP rs2089498194, ClinGen allele CA382523764.